The following is an entry in ClinVar:

NM_012431.3(SEMA3E):c.1968del (p.Thr656_Val657insTer)

Gene: SEMA3E (semaphorin 3E; minus strand). Cytogenetic location: 7q21.11.
Variant type: Deletion.
Coding change: c.1968del on transcript NM_012431.3 (MANE Select); coding-DNA position 1968, one base deleted (A; older notation c.1968delA).
Protein change: p.Thr656_Val657insTer.
Molecular consequence: frameshift variant.
Genome position (GRCh38, 1-based): chr7:83,367,946, T deleted on the plus strand (A on the coding strand, the reverse complement: SEMA3E is on the minus strand). VCF-style (leftmost placement, unchanged base first): chr7-83367945-CT-C. GRCh37 (hg19) VCF-style: chr7-82997261-CT-C.
Other names: c.1788del, p.Thr596_Val597insTer (NM_001178129.2).
Identifiers: ClinVar variation 4719195 (VCV004719195.1).

ClinVar aggregate classification (germline): Uncertain significance (1 of 4 stars; one submission).

Conditions:
CHARGE syndrome (CHARGE). Also called: Hittner Hirsch Kreh syndrome; CHARGE ASSOCIATION--COLOBOMA, HEART ANOMALY, CHOANAL ATRESIA, RETARDATION, GENITAL AND EAR ANOMALIES; Coloboma, heart anomaly, choanal atresia, retardation, genital and ear anomalies; CHARGE association; Hall-Hittner syndrome. Identifiers: Orphanet 138, MedGen C0265354, MONDO:0008965.

Submission:

Labcorp Genetics (formerly Invitae), Labcorp
Classification: Uncertain significance for CHARGE syndrome. Last evaluated: 2025-05-13. Review status: criteria provided, single submitter. Criteria: Invitae Variant Classification Sherloc (09022015). Collection method: clinical testing. Allele origin: germline.
Comment: This sequence change creates a premature translational stop signal (p.Val657*) in the SEMA3E gene. While this is not anticipated to result in nonsense mediated decay, it is expected to disrupt the last 119 amino acid(s) of the SEMA3E protein. This variant is not present in population databases (gnomAD no frequency). This variant has not been reported in the literature in individuals affected with SEMA3E-related conditions. In summary, the available evidence is currently insufficient to determine the role of this variant in disease. Therefore, it has been classified as a Variant of Uncertain Significance.